The following continues an entry in ClinVar:

NM_016098.4(MPC1):c.303C>T (p.His101=)

Gene: MPC1. ClinVar aggregate classification (germline): Benign. Benign (2).

Submissions 104 to 129 of 129:

Dr. Peter K. Rogan Lab, Western University
No classification provided (evidence only). Condition: Nonpapillary renal cell carcinoma. Review status: no classification provided. Collection method: in vitro. Allele origin: not applicable. Functional consequence: retained intron. Not counted in ClinVar's aggregate classification.

Dr. Peter K. Rogan Lab, Western University
No classification provided (evidence only). Condition: Nonpapillary renal cell carcinoma. Review status: no classification provided. Collection method: in vitro. Allele origin: not applicable. Functional consequence: retained intron. Not counted in ClinVar's aggregate classification.

Dr. Peter K. Rogan Lab, Western University
No classification provided (evidence only). Condition: Nonpapillary renal cell carcinoma. Review status: no classification provided. Collection method: in vitro. Allele origin: not applicable. Functional consequence: skipped exon, retained intron. Not counted in ClinVar's aggregate classification.

Dr. Peter K. Rogan Lab, Western University
No classification provided (evidence only). Condition: Nonpapillary renal cell carcinoma. Review status: no classification provided. Collection method: in vitro. Allele origin: not applicable. Functional consequence: retained intron. Not counted in ClinVar's aggregate classification.

Dr. Peter K. Rogan Lab, Western University
No classification provided (evidence only). Condition: Familial pancreatic carcinoma. Review status: no classification provided. Collection method: in vitro. Allele origin: not applicable. Functional consequence: retained intron. Not counted in ClinVar's aggregate classification.

Dr. Peter K. Rogan Lab, Western University
No classification provided (evidence only). Condition: Familial pancreatic carcinoma. Review status: no classification provided. Collection method: in vitro. Allele origin: not applicable. Functional consequence: skipped exon, retained intron. Not counted in ClinVar's aggregate classification.

Dr. Peter K. Rogan Lab, Western University
No classification provided (evidence only). Condition: Familial pancreatic carcinoma. Review status: no classification provided. Collection method: in vitro. Allele origin: not applicable. Functional consequence: retained intron. Not counted in ClinVar's aggregate classification.

Dr. Peter K. Rogan Lab, Western University
No classification provided (evidence only). Condition: Familial pancreatic carcinoma. Review status: no classification provided. Collection method: in vitro. Allele origin: not applicable. Functional consequence: retained intron. Not counted in ClinVar's aggregate classification.

Dr. Peter K. Rogan Lab, Western University
No classification provided (evidence only). Condition: Familial pancreatic carcinoma. Review status: no classification provided. Collection method: in vitro. Allele origin: not applicable. Functional consequence: retained intron. Not counted in ClinVar's aggregate classification.

Dr. Peter K. Rogan Lab, Western University
No classification provided (evidence only). Condition: Lymphoma. Review status: no classification provided. Collection method: in vitro. Allele origin: not applicable. Functional consequence: retained intron. Not counted in ClinVar's aggregate classification.

Dr. Peter K. Rogan Lab, Western University
No classification provided (evidence only). Condition: Lymphoma. Review status: no classification provided. Collection method: in vitro. Allele origin: not applicable. Functional consequence: retained intron. Not counted in ClinVar's aggregate classification.

Dr. Peter K. Rogan Lab, Western University
No classification provided (evidence only). Condition: Lymphoma. Review status: no classification provided. Collection method: in vitro. Allele origin: not applicable. Functional consequence: retained intron. Not counted in ClinVar's aggregate classification.

Dr. Peter K. Rogan Lab, Western University
No classification provided (evidence only). Condition: Lymphoma. Review status: no classification provided. Collection method: in vitro. Allele origin: not applicable. Functional consequence: retained intron. Not counted in ClinVar's aggregate classification.

Dr. Peter K. Rogan Lab, Western University
No classification provided (evidence only). Condition: Lymphoma. Review status: no classification provided. Collection method: in vitro. Allele origin: not applicable. Functional consequence: retained intron. Not counted in ClinVar's aggregate classification.

Dr. Peter K. Rogan Lab, Western University
No classification provided (evidence only). Condition: Lymphoma. Review status: no classification provided. Collection method: in vitro. Allele origin: not applicable. Functional consequence: retained intron. Not counted in ClinVar's aggregate classification.

Dr. Peter K. Rogan Lab, Western University
No classification provided (evidence only). Condition: Lymphoma. Review status: no classification provided. Collection method: in vitro. Allele origin: not applicable. Functional consequence: retained intron. Not counted in ClinVar's aggregate classification.

Dr. Peter K. Rogan Lab, Western University
No classification provided (evidence only). Condition: Lymphoma. Review status: no classification provided. Collection method: in vitro. Allele origin: not applicable. Functional consequence: retained intron. Not counted in ClinVar's aggregate classification.

Dr. Peter K. Rogan Lab, Western University
No classification provided (evidence only). Condition: Lymphoma. Review status: no classification provided. Collection method: in vitro. Allele origin: not applicable. Functional consequence: retained intron. Not counted in ClinVar's aggregate classification.

Dr. Peter K. Rogan Lab, Western University
No classification provided (evidence only). Condition: Lymphoma. Review status: no classification provided. Collection method: in vitro. Allele origin: not applicable. Functional consequence: skipped exon, retained intron. Not counted in ClinVar's aggregate classification.

Dr. Peter K. Rogan Lab, Western University
No classification provided (evidence only). Condition: Lymphoma. Review status: no classification provided. Collection method: in vitro. Allele origin: not applicable. Functional consequence: retained intron. Not counted in ClinVar's aggregate classification.

Dr. Peter K. Rogan Lab, Western University
No classification provided (evidence only). Condition: Lymphoma. Review status: no classification provided. Collection method: in vitro. Allele origin: not applicable. Functional consequence: retained intron. Not counted in ClinVar's aggregate classification.

Dr. Peter K. Rogan Lab, Western University
No classification provided (evidence only). Condition: Ovarian cancer. Review status: no classification provided. Collection method: in vitro. Allele origin: not applicable. Functional consequence: retained intron. Not counted in ClinVar's aggregate classification.

Dr. Peter K. Rogan Lab, Western University
No classification provided (evidence only). Condition: Ovarian cancer. Review status: no classification provided. Collection method: in vitro. Allele origin: not applicable. Functional consequence: skipped exon, retained intron. Not counted in ClinVar's aggregate classification.

Dr. Peter K. Rogan Lab, Western University
No classification provided (evidence only). Condition: Ovarian cancer. Review status: no classification provided. Collection method: in vitro. Allele origin: not applicable. Functional consequence: retained intron. Not counted in ClinVar's aggregate classification.

Dr. Peter K. Rogan Lab, Western University
No classification provided (evidence only). Condition: Ovarian cancer. Review status: no classification provided. Collection method: in vitro. Allele origin: not applicable. Functional consequence: retained intron. Not counted in ClinVar's aggregate classification.

Dr. Peter K. Rogan Lab, Western University
No classification provided (evidence only). Condition: Ovarian cancer. Review status: no classification provided. Collection method: in vitro. Allele origin: not applicable. Functional consequence: skipped exon, retained intron. Not counted in ClinVar's aggregate classification.